The following is an entry in ClinVar:

ClinVar aggregate classification (germline): Uncertain significance. Review status: criteria provided, multiple submitters, no conflicts (2 of 4 stars). 2 submissions from 2 submitters: Uncertain significance (2). Last evaluated 2023-10-01.

Conditions:
Retinal dystrophy. Also called: Inherited retinal dystrophy. Identifiers: Orphanet 71862, MedGen C0854723, MeSH D058499, MONDO:0019118, HP:0000556.

Allele frequency attached by ClinVar (database versions not stated): gnomAD 0.00001; TOPMed 0.00002.
gnomAD v4.1: 14 of 1,614,030 alleles (0.00087%); highest among the groups gnomAD compares: East Asian, 0.027%; no homozygotes.

Submissions (2):

Dept Of Ophthalmology, Nagoya University
Classification: Uncertain significance for Retinal dystrophy. Last evaluated: 2023-10-01. Review status: criteria provided, single submitter. Criteria: Submitter's publication. Collection method: research. Allele origin: germline. Affected: yes.

Labcorp Genetics (formerly Invitae), Labcorp
Classification: Uncertain significance. Last evaluated: 2022-07-26. Review status: criteria provided, single submitter. Criteria: Invitae Variant Classification Sherloc (09022015). Collection method: clinical testing. Allele origin: germline.
Comment: This sequence change replaces methionine with valine at codon 425 of the MAK protein (p.Met425Val). The methionine residue is moderately conserved and there is a small physicochemical difference between methionine and valine. This variant is not present in population databases (gnomAD no frequency). This variant has not been reported in the literature in individuals affected with MAK-related conditions. ClinVar contains an entry for this variant (Variation ID: 1431219). Advanced modeling of protein sequence and biophysical properties (such as structural, functional, and spatial information, amino acid conservation, physicochemical variation, residue mobility, and thermodynamic stability) performed at Invitae indicates that this missense variant is not expected to disrupt MAK protein function. In summary, the available evidence is currently insufficient to determine the role of this variant in disease. Therefore, it has been classified as a Variant of Uncertain Significance.

NM_001242957.3(MAK):c.1273A>G (p.Met425Val)

Gene: MAK (male germ cell associated kinase; minus strand). Cytogenetic location: 6p24.2.
Variant type: single nucleotide variant.
Coding change: c.1273A>G on transcript NM_001242957.3 (MANE Select); coding-DNA position 1273, A replaced by G.
Protein change: p.Met425Val; replaces methionine 425 with valine.
Molecular consequence: missense variant. On other transcripts: non-coding transcript variant (2).
Genome position (GRCh38, 1-based): chr6:10,791,718, T>C on the plus strand (A>G on the coding strand, the complement: MAK is on the minus strand). VCF-style: chr6-10791718-T-C. GRCh37 (hg19) VCF-style: chr6-10791951-T-C.
Other names: c.1273A>G, p.Met425Val (NM_001242385.2, NM_005906.6); c.1171A>G, p.Met391Val (NM_001377262.1); short protein forms M391V, M425V.
Identifiers: ClinVar variation 1431219 (VCV001431219.4), dbSNP rs1226073158, ClinGen allele CA362718401.
Genomic context (GRCh38, chr6:10,791,718, plus strand): 5'-GGAATTTGAAATCTTACCGAAATGGAGAATCTTTTTTCCTTTTTTCTTTAAAAACACCCA[T>C]GCTTGGCTTCTTGGAATGGGAGGCTCCGAAATCATAGTCCTCCAACTCTTCCCAGCTATC-3'
Protein context (NP_001229886.1, residues 415-435): FGASHSKKPS[Met425Val]GVFKEKRKKD